The following is an entry in ClinVar:

ClinVar aggregate classification (germline): Conflicting classifications of pathogenicity. Review status: criteria provided, conflicting classifications (1 of 4 stars). 6 submissions from 5 submitters: Uncertain significance (2); Benign (1); Likely benign (2). 1 of the submissions does not count toward it. Last evaluated 2025-12-15.

Conditions:
Nephronophthisis 12 (NPHP12). Identifiers: Orphanet 655, MedGen C3151186, MONDO:0013442, OMIM 613820.
Asphyxiating thoracic dystrophy 4 (SRTD4). Also called: SHORT-RIB THORACIC DYSPLASIA 4 WITH OR WITHOUT POLYDACTYLY; SHORT-RIB THORACIC DYSPLASIA 4. Identifiers: Orphanet 474, MedGen C3151185, MONDO:0013441, OMIM 613819.
Jeune thoracic dystrophy. Also called: Jeune syndrome; Infantile thoracic dystrophy; Thoracic pelvic phalangeal dystrophy; Jeune's syndrome; Chondroectodermal dysplasia-like syndrome; Short-rib thoracic dysplasia. Identifiers: Orphanet 474, MedGen C0265275, MONDO:0018770.
Nephronophthisis. Also called: Juvenile Nephronophthisis. Identifiers: Orphanet 655, MedGen C0687120, MONDO:0019005, HP:0000090.
TTC21B-related disorder. Also called: TTC21B-related disorders; TTC21B-related condition.

Allele frequency attached by ClinVar (database versions not stated): gnomAD 0.00009; TOPMed 0.00009; ExAC 0.00013; gnomAD exomes 0.00015.
gnomAD v4.1: 132 of 1,612,612 alleles (0.0082%); highest among the groups gnomAD compares: Admixed American, 0.013%; no homozygotes.

Submissions (7):

Labcorp Genetics (formerly Invitae), Labcorp
Classification: Benign for Jeune thoracic dystrophy; Nephronophthisis. Last evaluated: 2025-12-15. Review status: criteria provided, single submitter. Criteria: Invitae Variant Classification Sherloc (09022015). Collection method: clinical testing. Allele origin: germline.

Blueprint Genetics
Classification: Likely benign. Last evaluated: 2024-10-17. Review status: criteria provided, single submitter. Criteria: ACMG Guidelines, 2015. Collection method: clinical testing. Allele origin: germline.

GeneDx
Classification: Likely benign. Last evaluated: 2020-12-14. Review status: criteria provided, single submitter. Criteria: GeneDx Variant Classification Process June 2021. Collection method: clinical testing. Allele origin: germline. Affected: yes.

Illumina Laboratory Services, Illumina
Classification: Uncertain significance for Nephronophthisis 12. Last evaluated: 2018-01-13. Review status: criteria provided, single submitter. Criteria: ICSL Variant Classification Criteria 13 December 2019. Collection method: clinical testing. Allele origin: germline.

Illumina Laboratory Services, Illumina
Classification: Uncertain significance for Asphyxiating thoracic dystrophy 4. Last evaluated: 2018-01-13. Review status: criteria provided, single submitter. Criteria: ICSL Variant Classification Criteria 13 December 2019. Collection method: clinical testing. Allele origin: germline.

PreventionGenetics, part of Exact Sciences
Classification: Likely benign for TTC21B-related condition. Last evaluated: 2020-01-13. Review status: no assertion criteria provided. Collection method: clinical testing. Allele origin: germline. Not counted in ClinVar's aggregate classification.
Comment: This variant is classified as likely benign based on ACMG/AMP sequence variant interpretation guidelines (Richards et al. 2015 PMID: 25741868, with internal and published modifications).

Dr. Peter K. Rogan Lab, Western University
No classification provided (evidence only). Condition: Sarcoma. Review status: no classification provided. Collection method: in vitro. Allele origin: not applicable. Functional consequence: retained intron. Not counted in ClinVar's aggregate classification.

NM_024753.5(TTC21B):c.783G>T (p.Gly261=)

Gene: TTC21B (tetratricopeptide repeat domain 21B; minus strand). Cytogenetic location: 2q24.3.
Variant type: single nucleotide variant.
Coding change: c.783G>T on transcript NM_024753.5 (MANE Select); coding-DNA position 783, G replaced by T.
Protein change: p.Gly261=; no amino-acid change (glycine 261 retained).
Molecular consequence: synonymous variant.
Genome position (GRCh38, 1-based): chr2:165,932,985, C>A on the plus strand (G>T on the coding strand, the complement: TTC21B is on the minus strand). VCF-style: chr2-165932985-C-A. GRCh37 (hg19) VCF-style: chr2-166789495-C-A.
Identifiers: ClinVar variation 528909 (VCV000528909.20), dbSNP rs200255917, ClinGen allele CA1942344.